The following is an entry in ClinVar:

NC_012920.1(MT-CO2):m.7637G>A

Gene: MT-CO2 (mitochondrially encoded cytochrome c oxidase II; plus strand).
Variant type: single nucleotide variant.
Genome position: chrM-7637-G-A.
Identifiers: ClinVar variation 439912 (VCV000439912.10), dbSNP rs1556423314, ClinGen allele CA414793083.

ClinVar aggregate classification (germline): Uncertain significance. Review status: reviewed by expert panel (3 of 4 stars). 3 submissions from 3 submitters: Uncertain significance (1). 2 of the submissions do not count toward it. Last evaluated 2023-06-26.

Conditions:
Leigh syndrome (NULS). Also called: Leigh's syndrome; Leigh Disease; Subacute necrotizing encephalopathy; Necrotizing encephalopathy infantile subacute of Leigh; LEIGH SYNDROME, NUCLEAR; Leigh's necrotizing encephalopathy. Identifiers: Orphanet 506, MedGen C2931891, MONDO:0009723, OMIM 256000.
Mitochondrial disease. Also called: Mitochondrial disorder; Mitochondrial disorders. Identifiers: Orphanet 68380, MedGen C0751651, MeSH D028361, MONDO:0044970.

Submissions (3):

ClinGen Mitochondrial Disease Nuclear and Mitochondrial  Variant Curation Expert Panel, ClinGen
Classification: Uncertain significance for Mitochondrial disease. Last evaluated: 2023-06-26. Review status: reviewed by expert panel. Criteria: McCormick et al. (Hum Mutat. 2020). Collection method: curation. Allele origin: germline. Inheritance: Mitochondrial inheritance.
Comment: The m.7637G>A (p.E18K) variant in MT-CO2 was reviewed by the Mitochondrial Disease Nuclear and Mitochondrial Variant Curation Expert Panel on June 26, 2023. There are no individuals or families with primary mitochondrial disease with this variant reported in the medical literature to our knowledge. This variant has been reported in one individual in the medical literature, in an individual with Parkinson disease with haplogroup Uk1 (PMID: 19076426). There are several occurrences in population databases. The frequency in the MITOMAP GenBank sequences is 2/59,389 (0.003%). The frequency in gnomAD v3.1.2 is 6/56,427 (0.011%). This includes three homoplasmic occurrences (two European, one African/African American, haplogroups T, J, L2) and three heteroplasmic occurrences (two European, one African/African American; haplogroups K, L3, U; one with 10-20% heteroplasmy, one with 30-40% heteroplasmy, one with 60-70% heteroplasmy; two individuals in 70-75-year-old range with details not provided on other individuals). The frequency in the Helix dataset is 16/195,983 (0.008%) including 12 homoplasmic occurrences (haplogroups T=6, H=3, A=1, C=1, L2=1) and four heteroplasmic occurrences (haplogroup J=1, K=1, L3=1, T=1). Therefore, the frequency of this variant meets neither criteria for pathogenicity (<0.002%) nor benign status (>0.5%). There are no cybrids, single fiber studies, or other functional assays reported for this variant. The computational predictor APOGEE gives a consensus rating of pathogenic with a score of 0.91 (Min=0, Max=1), which predicts a damaging effect on gene function (PP3). In summary, this variant meets criteria to be classified as uncertain significance for primary mitochondrial disease inherited in a mitochondrial manner. This classification was approved by the NICHD/NINDS U24 ClinGen Mitochondrial Disease Variant Curation Expert Panel on June 26, 2023. Mitochondrial DNA-specific ACMG/AMP criteria applied: PP3.

Wong Mito Lab, Molecular and Human Genetics, Baylor College of Medicine
Classification: Likely benign for Leigh syndrome. Last evaluated: 2019-10-17. Review status: criteria provided, single submitter. Criteria: Modified ACMG Guidelines (Unpublished). Collection method: clinical testing. Allele origin: germline. Not counted in ClinVar's aggregate classification.
Comment: The NC_012920.1:m.7637G>A (YP_003024029.1:p.Glu18Lys) variant in MTCO2 gene is interpretated to be a Likely Benign variant based on the modified ACMG guidelines (unpublished). This variant meets the following evidence codes: BS4, BP6

ARUP Laboratories, Molecular Genetics and Genomics, ARUP Laboratories
Classification: Uncertain significance. Last evaluated: 2017-03-11. Review status: criteria provided, single submitter. Criteria: ARUP Molecular Germline Variant Investigation Process. Collection method: clinical testing. Allele origin: germline. Not counted in ClinVar's aggregate classification.